The following is an entry in ClinVar:

NM_001164586.2(IGFN1):c.6357A>G (p.Gly2119=)

Gene: IGFN1 (immunoglobulin like and fibronectin type III domain containing 1; plus strand). Cytogenetic location: 1q32.1.
Variant type: single nucleotide variant.
Coding change: c.6357A>G on transcript NM_001164586.2 (MANE Select); coding-DNA position 6357, A replaced by G.
Protein change: p.Gly2119=; no amino-acid change (glycine 2119 retained).
Molecular consequence: synonymous variant. On other transcripts: intron variant (1).
Genome position (GRCh38, 1-based): chr1:201,211,250, A>G. VCF-style: chr1-201211250-A-G. GRCh37 (hg19) VCF-style: chr1-201180378-A-G.
Other names: c.1242-2256A>G (NM_001367841.1).
Identifiers: ClinVar variation 4533462 (VCV004533462.6).
Genomic context (GRCh38, chr1:201,211,250, plus strand): 5'-GTCAATGGATGAGGCAGGTTATAGGAAGGATTTGGGGGCTCCTGAGGGAATAGGTTCAGG[A>G]AGTAAGGCAGGTTTTAGGGATGGTTTAGGGAGTTCTACAGAAATGGGGTCAGTGAATGAG-3'
Protein context (NP_001158058.1, residues 2109-2129): DLGAPEGIGS[Gly2119=]SKAGFRDGLG

ClinVar aggregate classification (germline): Likely benign (1 of 4 stars; one submission).

Submission:

CeGaT Center for Human Genetics Tuebingen
Classification: Likely benign. Last evaluated: 2025-09-01. Review status: criteria provided, single submitter. Criteria: CeGaT Center For Human Genetics Tuebingen Variant Classification Criteria Version 2. Collection method: clinical testing. Allele origin: germline. Affected: yes. Observed: 1 variant allele.
Comment: IGFN1: BP4, BP7